The following continues an entry in ClinVar:

NM_007294.4(BRCA1):c.2681_2682del (p.Lys894fs)

Gene: BRCA1. ClinVar aggregate classification (germline): Pathogenic. Pathogenic (1).

Submissions 22 to 31 of 31:

Women's Health and Genetics/Laboratory Corporation of America, LabCorp
Classification: Pathogenic for Hereditary breast ovarian cancer syndrome. Last evaluated: 2016-06-10. Review status: criteria provided, single submitter. Criteria: LabCorp Variant Classification Summary - May 2015. Collection method: clinical testing. Allele origin: germline. Not counted in ClinVar's aggregate classification.
Comment: Variant summary: The BRCA1 c.2681_2682delAA (p.Lys894Thrfs) variant results in a premature termination codon, predicted to cause a truncated or absent BRCA1 protein due to nonsense mediated decay, which are commonly known mechanisms for disease. Truncations downstream of this position have been classified as pathogenic by our laboratory (e.g. c.2685_2686delAA, c.2719_2722delGAAG, c.2766delA). One in silico tool predicts a damaging outcome for this variant and the variant is absent in 121670 control chromosomes. The variant has been reported in the literature and databases in numerous affected individuals, and is considered a European founder mutation. In addition, multiple clinical diagnostic laboratories/reputable databases classified this variant as pathogenic. Taken together, this variant is classified as pathogenic.

Consortium of Investigators of Modifiers of BRCA1/2 (CIMBA), c/o University of Cambridge
Classification: Pathogenic for Breast-ovarian cancer, familial, susceptibility to, 1. Last evaluated: 2015-10-02. Review status: criteria provided, single submitter. Criteria: CIMBA Mutation Classification guidelines May 2016. Collection method: clinical testing. Allele origin: germline. Not counted in ClinVar's aggregate classification.

Department of Medical Genetics, Oslo University Hospital
Classification: Pathogenic for Breast-ovarian cancer, familial, susceptibility to, 1. Last evaluated: 2015-06-26. Review status: criteria provided, single submitter. Criteria: ACMG Guidelines, 2015. Collection method: clinical testing. Allele origin: germline. Affected: yes. Observed: 5 variant alleles. Not counted in ClinVar's aggregate classification.

Counsyl
Classification: Pathogenic for Breast-ovarian cancer, familial, susceptibility to, 1. Last evaluated: 2017-02-01. Review status: no assertion criteria provided. Collection method: clinical testing. Allele origin: unknown. Not counted in ClinVar's aggregate classification.

Research Molecular Genetics Laboratory, Women's College Hospital, University of Toronto
Classification: Pathogenic for Hereditary breast ovarian cancer syndrome. Last evaluated: 2014-01-31. Review status: no assertion criteria provided. Collection method: research. Allele origin: germline. Affected: yes. Study: The Canadian Open Genetics Repository (COGR). Not counted in ClinVar's aggregate classification.

Sharing Clinical Reports Project (SCRP)
Classification: Pathogenic for Breast-ovarian cancer, familial 1. Last evaluated: 2012-06-05. Review status: no assertion criteria provided. Collection method: clinical testing. Allele origin: germline. Not counted in ClinVar's aggregate classification.

Foulkes Cancer Genetics LDI, Lady Davis Institute for Medical Research
Classification: Pathogenic for Breast and/or ovarian cancer. Last evaluated: 2003-09-24. Review status: no assertion criteria provided. Collection method: clinical testing. Allele origin: germline. Study: The Canadian Open Genetics Repository (COGR). Not counted in ClinVar's aggregate classification.

Breast Cancer Information Core (BIC) (BRCA1)
Classification: Pathogenic for Breast-ovarian cancer, familial 1. Last evaluated: 2002-05-29. Review status: no assertion criteria provided. Collection method: clinical testing. Allele origin: germline, unknown. Affected: yes. Observed: 81 variant alleles. Not counted in ClinVar's aggregate classification.

OMIM
Classification: Pathogenic for BREAST-OVARIAN CANCER, FAMILIAL, SUSCEPTIBILITY TO, 1. Last evaluated: 1994-12-01. Review status: no assertion criteria provided. Collection method: literature only. Allele origin: germline. Not counted in ClinVar's aggregate classification.

Department of Pathology and Laboratory Medicine, Sinai Health System
Classification: Pathogenic. Review status: no assertion criteria provided. Collection method: clinical testing. Allele origin: unknown. Affected: yes. Study: The Canadian Open Genetics Repository (COGR). Not counted in ClinVar's aggregate classification.
Comment: The BRCA1 p.Lys894ThrfsX8 variant was identified in 19 of 6162 proband chromosomes (frequency: 0.03) from individuals or families with breast and epithelial ovarian cancers, and was not identified in 3810 control chromosomes from healthy individuals. The variant has been identified as a Scottish and northern Irish founder mutation (Song_2014, Janavicius_2010, Consortium_2003, Nanda_2005, Peto_1999). The variant was also identified in dbSNP (ID: rs80357971) as â€šÃ„ÃºWith Pathogenic alleleâ€šÃ„Ã¹ and in Clinvar and Clinvitae as pathogenic by Evidence-based Network for the interpretation of Germline Mutant Alleles (ENIGMA) Study description; Quest Diagnostics Nichols Institute San Jaun Capistrano; the Consortium of Investigators of Modifiers of BRCA1/2 Univeristy of Cambridge, Ambry Genetics; Invitae; GeneD;, Breast Cancer Informatin Core; OMIM and Sharing Clinical Reports project. The variant has been further identified in ARUP Laboratories BRCA Mutations Database as definitely pathogenic. The variant was not identified in LOVD-IARC, COSMIC, GeneInsight COGR, the BIC, UMD and Fanconi Anemia Mutation (LOVD) and The Exome Aggregation Consortium databases (August 8, 2016) nor was it identified in the 1000 Genomes Project, and the NHLBI GO Exome Sequencing Project. The p.Lys894ThrfsX8 variant is predicted to cause a frameshift, which alters the protein's amino acid sequence beginning at codon 894 and leads to a premature stop codon 8 codons downstream. This alteration is then predicted to result in a truncated or absent protein and loss of function. Loss of function variants of the BRCA1 gene are an established mechanism of disease in hereditary breast and ovarian cancer and is the type of variant expected to cause the disorder. In summary, based on the above information, this variant meets our laboratoryâ€šÃ„Ã´s criteria to be classified as pathogenic.

Literature cited by the submitters: PubMed 20104584 (cited by Labcorp Genetics (formerly Invitae), Labcorp); PubMed 7894493 (cited by 7 submitters); PubMed 12698193 (cited by 6 submitters); PubMed 21324516 (cited by 6 submitters); PubMed 22006311 (cited by 6 submitters); PubMed 23199084 (cited by 4 submitters); PubMed 23269703 (cited by Mayo Clinic Laboratories, Mayo Clinic and Women's Health and Genetics/Laboratory Corporation of America, LabCorp); PubMed 25085752 (cited by Ambry Genetics and Quest Diagnostics Nichols Institute San Juan Capistrano); PubMed 25452441 (cited by Ambry Genetics and Color Diagnostics, LLC DBA Color Health); PubMed 26681312 (cited by 3 submitters); PubMed 26884819 (cited by 3 submitters); PubMed 7791869 (cited by Color Diagnostics, LLC DBA Color Health); PubMed 10682686 (cited by 5 submitters); PubMed 16644204 (cited by Color Diagnostics, LLC DBA Color Health and Quest Diagnostics Nichols Institute San Juan Capistrano); PubMed 29422015 (cited by Color Diagnostics, LLC DBA Color Health and Quest Diagnostics Nichols Institute San Juan Capistrano); PubMed 33471991 (cited by Color Diagnostics, LLC DBA Color Health and Quest Diagnostics Nichols Institute San Juan Capistrano); PubMed 31159747 (cited by Quest Diagnostics Nichols Institute San Juan Capistrano); PubMed 30322717 (cited by Quest Diagnostics Nichols Institute San Juan Capistrano); PubMed 29339979 (cited by Quest Diagnostics Nichols Institute San Juan Capistrano); PubMed 27456091 (cited by Quest Diagnostics Nichols Institute San Juan Capistrano and Sema4); PubMed 26295337 (cited by Quest Diagnostics Nichols Institute San Juan Capistrano); PubMed 29446198 (cited by Sema4); PubMed 21702907 (cited by Women's Health and Genetics/Laboratory Corporation of America, LabCorp); PubMed 15383404 (cited by Breast Cancer Information Core (BIC) (BRCA1)).